The following is an entry in ClinVar:

ClinVar aggregate classification (germline): Benign. Review status: criteria provided, multiple submitters, no conflicts (2 of 4 stars). 2 submissions from 2 submitters: Benign (2). Last evaluated 2018-06-20.

Allele frequency attached by ClinVar (database versions not stated): gnomAD 0.27821 and 0.29058; TOPMed 0.28365; 1000 Genomes Project 30x 0.36368; 1000 Genomes Project 0.37420.
gnomAD v4.1: 44,172 of 152,050 alleles (29%); highest among the groups gnomAD compares: East Asian, 61%; 6,979 homozygotes.

Submissions (2):

GeneDx
Classification: Benign. Last evaluated: 2018-06-20. Review status: criteria provided, single submitter. Criteria: GeneDx Variant Classification (06012015). Collection method: clinical testing. Allele origin: germline. Affected: yes.
Comment: This variant is considered likely benign or benign based on one or more of the following criteria: it is a conservative change, it occurs at a poorly conserved position in the protein, it is predicted to be benign by multiple in silico algorithms, and/or has population frequency not consistent with disease.

Breakthrough Genomics
Classification: Benign. Review status: criteria provided, single submitter. Criteria: ACMG Guidelines, 2015. Collection method: not provided. Allele origin: germline. Inheritance: Autosomal dominant inheritance. Affected: yes.

NM_004984.4(KIF5A):c.2992+218G>C

Gene: KIF5A (kinesin family member 5A; plus strand). Cytogenetic location: 12q13.3.
Variant type: single nucleotide variant.
Coding change: c.2992+218G>C on transcript NM_004984.4 (MANE Select); 218 bases into the intron after coding-DNA position 2992, G replaced by C.
Molecular consequence: intron variant.
Genome position (GRCh38, 1-based): chr12:57,582,170, G>C. VCF-style: chr12-57582170-G-C. GRCh37 (hg19) VCF-style: chr12-57975953-G-C.
Other names: c.2725+218G>C (NM_001354705.2).
Identifiers: ClinVar variation 682875 (VCV000682875.2), dbSNP rs10783834, ClinGen allele CA15725978.